The following is an entry in ClinVar:

ClinVar aggregate classification (germline): Conflicting classifications of pathogenicity. Review status: criteria provided, conflicting classifications (1 of 4 stars). 3 submissions from 3 submitters: Pathogenic (1); Likely benign (2). Last evaluated 2025-01-26.

Conditions:
Cardiovascular phenotype. Identifiers: MedGen CN230736.
Intellectual disability. Also called: intellectual disabilities; Intellectual developmental disorder; Intellectual functioning disability. Identifiers: MedGen C3714756, MeSH D008607, MONDO:0001071, HP:0001249.
Alstrom syndrome (ALMS). Identifiers: Orphanet 64, MedGen C0268425, MONDO:0008763, OMIM 203800.

Allele frequency attached by ClinVar (database versions not stated): gnomAD exomes below 0.00001; gnomAD 0.00002; TOPMed 0.00002.
gnomAD v4.1: 4 of 1,613,768 alleles (0.00025%); highest among the groups gnomAD compares: Admixed American, 0.0033%; no homozygotes.

Submissions (3):

Labcorp Genetics (formerly Invitae), Labcorp
Classification: Likely benign for Alstrom syndrome. Last evaluated: 2025-01-26. Review status: criteria provided, single submitter. Criteria: Invitae Variant Classification Sherloc (09022015). Collection method: clinical testing. Allele origin: germline.

Ambry Genetics
Classification: Likely benign for Cardiovascular phenotype. Last evaluated: 2022-01-23. Review status: criteria provided, single submitter. Criteria: Ambry Variant Classification Scheme 2023. Collection method: clinical testing. Allele origin: germline.

Cytogénomique, Hospices Civils de Lyon
Classification: Pathogenic for Intellectual disability. Last evaluated: 2021-07-08. Review status: criteria provided, single submitter. Criteria: ACMG Guidelines, 2015. Collection method: clinical testing. Allele origin: maternal. Inheritance: Autosomal recessive inheritance. Affected: yes. Observed: 1 variant allele, 1 compound heterozygote.
Comment: trans with another pathogenic variant

NM_001378454.1(ALMS1):c.6820C>T (p.Leu2274=)

Gene: ALMS1 (ALMS1 centrosome and basal body associated protein; plus strand). Cytogenetic location: 2p13.1.
Variant type: single nucleotide variant.
Coding change: c.6820C>T on transcript NM_001378454.1 (MANE Select); coding-DNA position 6820, C replaced by T.
Protein change: p.Leu2274=; no amino-acid change (leucine 2274 retained).
Molecular consequence: synonymous variant.
Genome position (GRCh38, 1-based): chr2:73,453,347, C>T. VCF-style: chr2-73453347-C-T. GRCh37 (hg19) VCF-style: chr2-73680474-C-T.
Other names: c.6823C>T, p.Leu2275= (NM_015120.4).
Identifiers: ClinVar variation 1096783 (VCV001096783.13), dbSNP rs1447282271, ClinGen allele CA427023372.